The following is an entry in ClinVar:

ClinVar aggregate classification (germline): Uncertain significance (1 of 4 stars; one submission).

Allele frequency attached by ClinVar (database versions not stated): ExAC 0.00002; gnomAD 0.00003.
gnomAD v4.1: 54 of 1,585,010 alleles (0.0034%); highest among the groups gnomAD compares: African/African-American, 0.004%; no homozygotes.

Submission:

Labcorp Genetics (formerly Invitae), Labcorp
Classification: Uncertain significance. Last evaluated: 2022-09-08. Review status: criteria provided, single submitter. Criteria: Invitae Variant Classification Sherloc (09022015). Collection method: clinical testing. Allele origin: germline.
Comment: In summary, the available evidence is currently insufficient to determine the role of this variant in disease. Therefore, it has been classified as a Variant of Uncertain Significance. Advanced modeling of protein sequence and biophysical properties (such as structural, functional, and spatial information, amino acid conservation, physicochemical variation, residue mobility, and thermodynamic stability) performed at Invitae indicates that this missense variant is expected to disrupt APC2 protein function. This variant has not been reported in the literature in individuals affected with APC2-related conditions. This variant is present in population databases (rs568311415, gnomAD 0.003%). This sequence change replaces arginine, which is basic and polar, with cysteine, which is neutral and slightly polar, at codon 1081 of the APC2 protein (p.Arg1081Cys).

NM_005883.3(APC2):c.3241C>T (p.Arg1081Cys)

Gene: APC2 (APC regulator of WNT signaling pathway 2; plus strand). Cytogenetic location: 19p13.3.
Variant type: single nucleotide variant.
Coding change: c.3241C>T on transcript NM_005883.3 (MANE Select); coding-DNA position 3241, C replaced by T.
Protein change: p.Arg1081Cys; replaces arginine 1081 with cysteine.
Molecular consequence: missense variant.
Genome position (GRCh38, 1-based): chr19:1,466,542, C>T. VCF-style: chr19-1466542-C-T. GRCh37 (hg19) VCF-style: chr19-1466541-C-T.
Other names: c.3238C>T, p.Arg1080Cys (NM_001351273.1); short protein forms R1081C, R1080C.
Identifiers: ClinVar variation 1979973 (VCV001979973.3), dbSNP rs568311415, ClinGen allele CA9045658.
Genomic context (GRCh38, chr19:1,466,542, plus strand): 5'-CAAGAGGGGCCACTCTCGCTGTCCCGATGCAGCTCCCTTTCCTCGCTGTCCTCGGCCGGC[C>T]GCCCAGGCCCCAGCGAGGGTGGTGACCTGGATGACAGTGACTCCTCCCTGGAGGGGCTGG-3'
Protein context (NP_005874.1, residues 1071-1091): SSLSSLSSAG[Arg1081Cys]PGPSEGGDLD